The following is an entry in ClinVar:

NM_000061.3(BTK):c.895-2del

Gene: BTK (Bruton tyrosine kinase; minus strand). Cytogenetic location: Xq22.1.
Variant type: Deletion.
Coding change: c.895-2del on transcript NM_000061.3 (MANE Select); the canonical splice acceptor site of the intron before coding-DNA position 895, one base deleted (A; older notation c.895-2delA).
Molecular consequence: splice acceptor variant.
Genome position (GRCh38, 1-based): chrX:101,358,698, T deleted on the plus strand (A on the coding strand, the reverse complement: BTK is on the minus strand). VCF-style (leftmost placement, unchanged base first): chrX-101358697-CT-C. GRCh37 (hg19) VCF-style: chrX-100613685-CT-C.
Other names: c.997-2del (NM_001287344.2); c.895-2del (NM_001287345.2).
Identifiers: ClinVar variation 1334133 (VCV001334133.3), dbSNP rs2147430256, ClinGen allele CA2573055049.

ClinVar aggregate classification (germline): Pathogenic (0 of 4 stars; one submission).

Conditions:
X-linked agammaglobulinemia (XLA). Also called: Bruton's agammaglobulinemia; AGAMMAGLOBULINEMIA, X-LINKED, TYPE 1; IMMUNODEFICIENCY 1; Agammaglobulinemia, Bruton tyrosine kinase; Agammaglobulinemia, BTK; BTK-deficiency. Identifiers: Orphanet 229717, Orphanet 47, MedGen C0221026, MONDO:0010421, OMIM 300755.

Submission:

Immunodeficiencies, Instituto Nacional de Pediatria
Classification: Pathogenic for X-linked agammaglobulinemia. Last evaluated: 2021-12-01. Review status: no assertion criteria provided. Collection method: research. Allele origin: maternal. Inheritance: X-linked recessive inheritance. Affected: yes.
Comment: The one bp deletion in 3´intron 10/11 of BTK causes exon 11 deletion from mRNA.

Literature cited by the submitters: PubMed 17765309.